The following is an entry in ClinVar:

NM_001371194.2(SEMA4D):c.609C>T (p.Ile203=)

Gene: SEMA4D (semaphorin 4D; minus strand). Cytogenetic location: 9q22.2.
Variant type: single nucleotide variant.
Coding change: c.609C>T on transcript NM_001371194.2 (MANE Select); coding-DNA position 609, C replaced by T.
Protein change: p.Ile203=; no amino-acid change (isoleucine 203 retained).
Molecular consequence: synonymous variant. On other transcripts: non-coding transcript variant (6).
Genome position (GRCh38, 1-based): chr9:89,392,436, G>A on the plus strand (C>T on the coding strand, the complement: SEMA4D is on the minus strand). VCF-style: chr9-89392436-G-A. GRCh37 (hg19) VCF-style: chr9-92007351-G-A.
Other names: c.609C>T, p.Ile203= (NM_001142287.2, NM_001371195.1, NM_001371196.1 and 7 more transcripts).
Identifiers: ClinVar variation 3045358 (VCV003045358.2), dbSNP rs150882263, ClinGen allele CA5118654.

ClinVar aggregate classification (germline): Likely benign (0 of 4 stars; one submission).

Conditions:
SEMA4D-related disorder. Also called: SEMA4D-related condition.

Allele frequency attached by ClinVar (database versions not stated): ESP Exome Variant Server 0.00023; TOPMed 0.00034.
gnomAD v4.1: 112 of 1,612,416 alleles (0.0069%); highest among the groups gnomAD compares: African/African-American, 0.13%; 1 homozygote.

Submission:

PreventionGenetics, part of Exact Sciences
Classification: Likely benign for SEMA4D-related condition. Last evaluated: 2019-11-14. Review status: no assertion criteria provided. Collection method: clinical testing. Allele origin: germline.
Comment: This variant is classified as likely benign based on ACMG/AMP sequence variant interpretation guidelines (Richards et al. 2015 PMID: 25741868, with internal and published modifications).